The following is an entry in ClinVar:

NM_014845.6(FIG4):c.295G>T (p.Val99Phe)

Gene: FIG4 (FIG4 phosphoinositide 5-phosphatase; plus strand). Cytogenetic location: 6q21.
Variant type: single nucleotide variant.
Coding change: c.295G>T on transcript NM_014845.6 (MANE Select); coding-DNA position 295, G replaced by T.
Protein change: p.Val99Phe; replaces valine 99 with phenylalanine.
Molecular consequence: missense variant.
Genome position (GRCh38, 1-based): chr6:109,727,114, G>T. VCF-style: chr6-109727114-G-T. GRCh37 (hg19) VCF-style: chr6-110048317-G-T.
Other names: short protein forms V99F.
Identifiers: ClinVar variation 2684192 (VCV002684192.2), dbSNP rs756709973, ClinGen allele CA3955741.

ClinVar aggregate classification (germline): Uncertain significance. Review status: criteria provided, multiple submitters, no conflicts (2 of 4 stars). 3 submissions from 3 submitters: Uncertain significance (3). Last evaluated 2024-11-26.

Conditions:
Inborn genetic diseases. Identifiers: MedGen C0950123, MeSH D030342.
Amyotrophic lateral sclerosis type 11 (ALS11). Identifiers: Orphanet 803, MedGen C2675491, MONDO:0012945, OMIM 612577.

Allele frequency attached by ClinVar (database versions not stated): ExAC 0.00001.
gnomAD v4.1: 2 of 1,609,648 alleles (0.00012%); highest among the groups gnomAD compares: South Asian, 0.0022%; no homozygotes.

Submissions (3):

Ambry Genetics
Classification: Uncertain significance for Inborn genetic diseases. Last evaluated: 2024-11-26. Review status: criteria provided, single submitter. Criteria: Ambry Variant Classification Scheme 2023. Collection method: clinical testing. Allele origin: germline.

Neurogenetics, Cyprus Institute of Neurology and Genetics
Classification: Uncertain significance for Amyotrophic lateral sclerosis type 11. Last evaluated: 2024-08-10. Review status: criteria provided, single submitter. Criteria: ACMG Guidelines 2015. Collection method: clinical testing. Allele origin: germline. Inheritance: Autosomal dominant inheritance. Affected: yes.
Comment: FIG4 c.295G>T (NM_014845.6) sequence change replaces Valine to Phenylalanine at codon 99 of FIG4 (FIG4 Phosphoinositide 5-Phosphatase) protein (p.Val99Phe). The variant is present in extremely low frequency in gnomAD population databases (PM2). However vailable data are incomplete and not able to determine the clinical significance of the variant at this time. In summary, the currently available evidence indicates that the variant is of an uncertain significance.

Athena Diagnostics
Classification: Uncertain significance. Last evaluated: 2023-02-16. Review status: criteria provided, single submitter. Criteria: Athena Diagnostics Criteria. Collection method: clinical testing. Allele origin: unknown.
Comment: Available data are insufficient to determine the clinical significance of the variant at this time. The frequency of this variant in the general population is uninformative in assessment of its pathogenicity. Computational tools predict that this variant is damaging.